The following is an entry in ClinVar:

NM_002890.3(RASA1):c.1698+2dup

Genes: CCNH (cyclin H; minus strand), RASA1 (RAS p21 protein activator 1; plus strand). Cytogenetic location: 5q14.3.
Variant type: Duplication.
Coding change: c.1698+2dup on transcript NM_002890.3 (MANE Select); the canonical splice donor site of the intron after coding-DNA position 1698, one base duplicated (T; older notation c.1698+2dupT).
Molecular consequence: splice donor variant. On other transcripts: intron variant (1).
Genome position (GRCh38, 1-based): chr5:87,369,902, T duplicated. VCF-style (leftmost placement, unchanged base first): chr5-87369901-G-GT. GRCh37 (hg19) VCF-style: chr5-86665718-G-GT.
Other names: c.1167+2dup (NM_022650.3); c.933+25142dup (NM_001364075.2).
Identifiers: ClinVar variation 3253577 (VCV003253577.1), dbSNP rs2531324522.
Genomic context (GRCh38, chr5:87,369,901, plus strand): 5'-CACTTTAGTGAAGAACATTACATCTTTTACTTTGCAGGAGAAACTCCAGAACAAGCAGAG[G>GT]TAAGATTACTGTTTCTCAAACTACAGTATACTTTTATGTTAGCCCATGTTTTCTTATTAA-3'

ClinVar aggregate classification (germline): Uncertain significance (1 of 4 stars; one submission).

Submission:

GeneDx
Classification: Uncertain significance. Last evaluated: 2023-04-11. Review status: criteria provided, single submitter. Criteria: GeneDx Variant Classification Process June 2021. Collection method: clinical testing. Allele origin: germline. Affected: yes.
Comment: Identified in an individual with CM and AVMs (Wooderchak-Donahue et al., 2018); Not observed at significant frequency in large population cohorts (gnomAD); In silico analysis is inconclusive as to whether the variant alters gene splicing. In the absence of RNA/functional studies, the actual effect of this sequence change is unknown.; This variant is associated with the following publications: (PMID: 29891884, 26096958)